The following is an entry in ClinVar:

ClinVar aggregate classification (germline): Uncertain significance (1 of 4 stars; one submission).

Conditions:
Duchenne muscular dystrophy (DMD). Also called: Duchenne Muscular Dystrophy (DMD); MUSCULAR DYSTROPHY, PSEUDOHYPERTROPHIC PROGRESSIVE, DUCHENNE TYPE. Identifiers: Orphanet 98896, MedGen C0013264, MONDO:0010679, OMIM 310200.

Submission:

Labcorp Genetics (formerly Invitae), Labcorp
Classification: Uncertain significance for Duchenne muscular dystrophy. Last evaluated: 2022-01-13. Review status: criteria provided, single submitter. Criteria: Invitae Variant Classification Sherloc (09022015). Collection method: clinical testing. Allele origin: germline.
Comment: In summary, the available evidence is currently insufficient to determine the role of this variant in disease. Therefore, it has been classified as a Variant of Uncertain Significance. Experimental studies and prediction algorithms are not available or were not evaluated, and the functional significance of this variant is currently unknown. This variant has not been reported in the literature in individuals affected with DMD-related conditions. This variant is a gross deletion of the genomic region encompassing exon(s) 39 of the DMD gene. This variant would be expected to be in-frame, preserving the integrity of the reading frame.

NC_000023.10:g.(?_32364040)_(32364217_?)del

Gene: DMD (dystrophin; minus strand). Cytogenetic location: Xp21.1.
Variant type: Deletion.
Identifiers: ClinVar variation 2424872 (VCV002424872.5).